The following is an entry in ClinVar:

ClinVar aggregate classification (germline): Uncertain significance (1 of 4 stars; one submission).

Conditions:
Perry syndrome. Also called: PARKINSONISM WITH ALVEOLAR HYPOVENTILATION AND MENTAL DEPRESSION. Identifiers: Orphanet 178509, MedGen C1868594, MONDO:0008201, OMIM 168605.
Neuronopathy, distal hereditary motor, type 7B. Also called: Distal Hereditary Motor Neuronopathy Type 7B (dHMN7B); HMN VIIB; LOWER MOTOR NEURON DISEASE, DYNACTIN TYPE; NEURONOPATHY, DISTAL HEREDITARY MOTOR, AUTOSOMAL DOMINANT 14; NEURONOPATHY, DISTAL HEREDITARY MOTOR, HARDING TYPE VIIB; NEUROPATHY, DISTAL HEREDITARY MOTOR, HARDING TYPE VIIB. Identifiers: Orphanet 139589, MedGen C1843315, MONDO:0011879, OMIM 607641.
Amyotrophic lateral sclerosis type 1 (ALS1). Also called: AMYOTROPHIC LATERAL SCLEROSIS 1, FAMILIAL. Identifiers: Orphanet 803, MedGen C1862939, MONDO:0007103, OMIM 105400.

Submission:

Labcorp Genetics (formerly Invitae), Labcorp
Classification: Uncertain significance for Amyotrophic lateral sclerosis type 1; Neuronopathy, distal hereditary motor, type 7B; Perry syndrome. Last evaluated: 2021-10-20. Review status: criteria provided, single submitter. Criteria: Invitae Variant Classification Sherloc (09022015). Collection method: clinical testing. Allele origin: germline.
Comment: This variant has not been reported in the literature in individuals affected with DCTN1-related conditions. In summary, the available evidence is currently insufficient to determine the role of this variant in disease. Therefore, it has been classified as a Variant of Uncertain Significance. Algorithms developed to predict the effect of missense changes on protein structure and function (SIFT, PolyPhen-2, Align-GVGD) all suggest that this variant is likely to be disruptive. This variant is not present in population databases (ExAC no frequency). This sequence change replaces glutamic acid with alanine at codon 425 of the DCTN1 protein (p.Glu425Ala). The glutamic acid residue is highly conserved and there is a moderate physicochemical difference between glutamic acid and alanine.

NM_004082.5(DCTN1):c.1274A>C (p.Glu425Ala)

Gene: DCTN1 (dynactin subunit 1; minus strand). Cytogenetic location: 2p13.1.
Variant type: single nucleotide variant.
Coding change: c.1274A>C on transcript NM_004082.5 (MANE Select); coding-DNA position 1274, A replaced by C.
Protein change: p.Glu425Ala; replaces glutamic acid 425 with alanine.
Molecular consequence: missense variant. On other transcripts: non-coding transcript variant (1).
Genome position (GRCh38, 1-based): chr2:74,370,199, T>G on the plus strand (A>C on the coding strand, the complement: DCTN1 is on the minus strand). VCF-style: chr2-74370199-T-G. GRCh37 (hg19) VCF-style: chr2-74597326-T-G.
Other names: c.1214A>C, p.Glu405Ala (NM_001135040.3); c.872A>C, p.Glu291Ala (NM_001135041.3, NM_023019.4); c.1163A>C, p.Glu388Ala (NM_001190836.2); c.1253A>C, p.Glu418Ala (NM_001190837.2); c.1223A>C, p.Glu408Ala (NM_001378991.1); c.1205A>C, p.Glu402Ala (NM_001378992.1); short protein forms E291A, E408A, E402A, E405A, E418A, E425A, E388A.
Identifiers: ClinVar variation 1388050 (VCV001388050.6), dbSNP rs2103654759, ClinGen allele CA347360522.